The following is an entry in ClinVar:

ClinVar aggregate classification (germline): Uncertain significance. Review status: criteria provided, multiple submitters, no conflicts (2 of 4 stars). 2 submissions from 2 submitters: Uncertain significance (2). Last evaluated 2024-01-01.

Conditions:
Intellectual developmental disorder with cardiac defects and dysmorphic facies (IDDCDF). Identifiers: Orphanet 562569, MedGen C5193024, MONDO:0032672, OMIM 618316.

gnomAD v4.1: 3 of 1,614,062 alleles (0.00019%); highest among the groups gnomAD compares: Non-Finnish European, 0.00025%; no homozygotes.

Submissions (2):

Daryl Scott Lab, Baylor College of Medicine
Classification: Uncertain significance for Intellectual developmental disorder with cardiac defects and dysmorphic facies. Last evaluated: 2024-01-01. Review status: criteria provided, single submitter. Criteria: ACMG Guidelines, 2015. Collection method: clinical testing. Allele origin: biparental. Observed: 1 homozygote.
Comment: PM2

Baylor Genetics
Classification: Uncertain significance for Intellectual developmental disorder with cardiac defects and dysmorphic facies. Last evaluated: 2019-11-06. Review status: criteria provided, single submitter. Criteria: ACMG Guidelines, 2015. Collection method: clinical testing. Allele origin: unknown. Affected: yes.
Comment: This variant was determined to be of uncertain significance according to ACMG Guidelines, 2015 [PMID:25741868].

NM_014738.6(TMEM94):c.1544C>T (p.Ser515Phe)

Gene: TMEM94 (transmembrane protein 94; plus strand). Cytogenetic location: 17q25.1.
Variant type: single nucleotide variant.
Coding change: c.1544C>T on transcript NM_014738.6 (MANE Select); coding-DNA position 1544, C replaced by T.
Protein change: p.Ser515Phe; replaces serine 515 with phenylalanine.
Molecular consequence: missense variant.
Genome position (GRCh38, 1-based): chr17:75,491,848, C>T. VCF-style: chr17-75491848-C-T. GRCh37 (hg19) VCF-style: chr17-73487929-C-T.
Other names: c.1574C>T, p.Ser525Phe (NM_001321148.2, NM_001351203.2); c.1556C>T, p.Ser519Phe (NM_001321149.2); c.1544C>T, p.Ser515Phe (NM_001351202.2); short protein forms S515F, S525F, S519F.
Identifiers: ClinVar variation 1031301 (VCV001031301.2), dbSNP rs2052220799, ClinGen allele CA401013092.